The following is an entry in ClinVar:

ClinVar aggregate classification (germline): Benign/Likely benign. Review status: criteria provided, multiple submitters, no conflicts (2 of 4 stars). 5 submissions from 5 submitters: Benign (1); Likely benign (3). 1 of the submissions does not count toward it. Last evaluated 2026-01-28.

Conditions:
PTPN23-related disorder. Also called: PTPN23-related condition.
Inborn genetic diseases. Identifiers: MedGen C0950123, MeSH D030342.

Allele frequency attached by ClinVar (database versions not stated): gnomAD exomes 0.00010 and 0.00029; ExAC 0.00036; gnomAD 0.00104 and 0.00110; 1000 Genomes Project 30x 0.00109; 1000 Genomes Project 0.00120; TOPMed 0.00125; ESP Exome Variant Server 0.00138.
gnomAD v4.1: 325 of 1,613,058 alleles (0.02%); highest among the groups gnomAD compares: African/African-American, 0.37%; 3 homozygotes.

Submissions (5):

Labcorp Genetics (formerly Invitae), Labcorp
Classification: Benign. Last evaluated: 2026-01-28. Review status: criteria provided, single submitter. Criteria: Invitae Variant Classification Sherloc (09022015). Collection method: clinical testing. Allele origin: germline.

Ambry Genetics
Classification: Likely benign for Inborn genetic diseases. Last evaluated: 2024-10-23. Review status: criteria provided, single submitter. Criteria: Ambry Variant Classification Scheme 2023. Collection method: clinical testing. Allele origin: germline.

Blueprint Genetics
Classification: Likely benign. Last evaluated: 2024-06-27. Review status: criteria provided, single submitter. Criteria: ACMG Guidelines, 2015. Collection method: clinical testing. Allele origin: germline.

CeGaT Center for Human Genetics Tuebingen
Classification: Likely benign. Last evaluated: 2023-12-01. Review status: criteria provided, single submitter. Criteria: CeGaT Center For Human Genetics Tuebingen Variant Classification Criteria Version 2. Collection method: clinical testing. Allele origin: germline. Affected: yes. Observed: 1 variant allele.
Comment: PTPN23: BP4

PreventionGenetics, part of Exact Sciences
Classification: Likely benign for PTPN23-related condition. Last evaluated: 2020-01-27. Review status: no assertion criteria provided. Collection method: clinical testing. Allele origin: germline. Not counted in ClinVar's aggregate classification.
Comment: This variant is classified as likely benign based on ACMG/AMP sequence variant interpretation guidelines (Richards et al. 2015 PMID: 25741868, with internal and published modifications).

NM_015466.4(PTPN23):c.4179-5C>T

Gene: PTPN23 (protein tyrosine phosphatase non-receptor type 23; plus strand). Cytogenetic location: 3p21.31.
Variant type: single nucleotide variant.
Coding change: c.4179-5C>T on transcript NM_015466.4 (MANE Select); 5 bases into the intron before coding-DNA position 4179, C replaced by T.
Molecular consequence: intron variant.
Genome position (GRCh38, 1-based): chr3:47,412,278, C>T. VCF-style: chr3-47412278-C-T. GRCh37 (hg19) VCF-style: chr3-47453768-C-T.
Other names: c.4179-5C>T (NM_015466.3, NM_015466.2); c.3801-5C>T (NM_001304482.2).
Identifiers: ClinVar variation 1652733 (VCV001652733.33), dbSNP rs112931729, ClinGen allele CA2366514.